The following is an entry in ClinVar:

NM_001271.4(CHD2):c.4219_4220delinsAT (p.Ser1407Ile)

Gene: CHD2 (chromodomain helicase DNA binding protein 2; plus strand). Cytogenetic location: 15q26.1.
Variant type: Indel.
Coding change: c.4219_4220delinsAT on transcript NM_001271.4 (MANE Select); coding-DNA positions 4219 to 4220, TC replaced by AT.
Protein change: p.Ser1407Ile; replaces serine 1407 with isoleucine.
Molecular consequence: missense variant.
Genome position (GRCh38, 1-based): chr15:93,002,258-93,002,259, TC replaced by AT. VCF-style: chr15-93002258-TC-AT. GRCh37 (hg19) VCF-style: chr15-93545488-TC-AT.
Other names: short protein forms S1407I.
Identifiers: ClinVar variation 571896 (VCV000571896.9), dbSNP rs1567159959, ClinGen allele CA891844510.

ClinVar aggregate classification (germline): Uncertain significance (1 of 4 stars; one submission).

Conditions:
Developmental and epileptic encephalopathy 94 (DEE94). Also called: CHD2-Related Neurodevelopmental Disorders; Epileptic encephalopathy, childhood-onset. Identifiers: Orphanet 1942, Orphanet 2382, MedGen C3809278, MONDO:0014150, OMIM 615369.

Submission:

Labcorp Genetics (formerly Invitae), Labcorp
Classification: Uncertain significance for Developmental and epileptic encephalopathy 94. Last evaluated: 2025-06-02. Review status: criteria provided, single submitter. Criteria: Invitae Variant Classification Sherloc (09022015). Collection method: clinical testing. Allele origin: germline.
Comment: This sequence change replaces serine, which is neutral and polar, with isoleucine, which is neutral and non-polar, at codon 1407 of the CHD2 protein (p.Ser1407Ile). Information on the frequency of this variant in the gnomAD database is not available, as this variant may be reported differently in the database. This variant has not been reported in the literature in individuals affected with CHD2-related conditions. ClinVar contains an entry for this variant (Variation ID: 571896). An algorithm developed to predict the effect of missense changes on protein structure and function (PolyPhen-2) suggests that this variant is likely to be tolerated. In summary, the available evidence is currently insufficient to determine the role of this variant in disease. Therefore, it has been classified as a Variant of Uncertain Significance.